The following is an entry in ClinVar:

NM_000135.4(FANCA):c.1511G>T (p.Arg504Leu)

Gene: FANCA (FA complementation group A; minus strand). Cytogenetic location: 16q24.3.
Variant type: single nucleotide variant.
Coding change: c.1511G>T on transcript NM_000135.4 (MANE Select); coding-DNA position 1511, G replaced by T.
Protein change: p.Arg504Leu; replaces arginine 504 with leucine.
Molecular consequence: missense variant.
Genome position (GRCh38, 1-based): chr16:89,783,062, C>A on the plus strand (G>T on the coding strand, the complement: FANCA is on the minus strand). VCF-style: chr16-89783062-C-A. GRCh37 (hg19) VCF-style: chr16-89849470-C-A.
Other names: c.1511G>T, p.Arg504Leu (NM_001286167.3); short protein forms R504L.
Identifiers: ClinVar variation 2156127 (VCV002156127.1), dbSNP rs778045457, ClinGen allele CA8252286.

ClinVar aggregate classification (germline): Uncertain significance (1 of 4 stars; one submission).

Conditions:
Fanconi anemia (FA). Also called: Fanconi's anemia. Identifiers: Orphanet 84, MedGen C0015625, MeSH D005199, MONDO:0019391.

gnomAD v4.1: 3 of 1,613,790 alleles (0.00019%); highest among the groups gnomAD compares: Non-Finnish European, 0.00017%; no homozygotes.

Submission:

Labcorp Genetics (formerly Invitae), Labcorp
Classification: Uncertain significance for Fanconi anemia. Last evaluated: 2022-08-16. Review status: criteria provided, single submitter. Criteria: Invitae Variant Classification Sherloc (09022015). Collection method: clinical testing. Allele origin: germline.
Comment: This sequence change replaces arginine, which is basic and polar, with leucine, which is neutral and non-polar, at codon 504 of the FANCA protein (p.Arg504Leu). This variant is present in population databases (rs778045457, gnomAD 0.0009%). This variant has not been reported in the literature in individuals affected with FANCA-related conditions. Advanced modeling of protein sequence and biophysical properties (such as structural, functional, and spatial information, amino acid conservation, physicochemical variation, residue mobility, and thermodynamic stability) performed at Invitae indicates that this missense variant is expected to disrupt FANCA protein function. In summary, the available evidence is currently insufficient to determine the role of this variant in disease. Therefore, it has been classified as a Variant of Uncertain Significance.